The following is an entry in ClinVar:

NM_024422.6(DSC2):c.2048C>T (p.Pro683Leu)

Gene: DSC2 (desmocollin 2; minus strand). Cytogenetic location: 18q12.1.
Variant type: single nucleotide variant.
Coding change: c.2048C>T on transcript NM_024422.6 (MANE Select); coding-DNA position 2048, C replaced by T.
Protein change: p.Pro683Leu; replaces proline 683 with leucine.
Molecular consequence: missense variant.
Genome position (GRCh38, 1-based): chr18:31,071,682, G>A on the plus strand (C>T on the coding strand, the complement: DSC2 is on the minus strand). VCF-style: chr18-31071682-G-A. GRCh37 (hg19) VCF-style: chr18-28651648-G-A.
Other names: c.1619C>T, p.Pro540Leu (NM_001406506.1, NM_001406507.1); c.2048C>T, p.Pro683Leu (NM_004949.5); short protein forms P540L, P683L.
Identifiers: ClinVar variation 4756200 (VCV004756200.1).

ClinVar aggregate classification (germline): Uncertain significance (1 of 4 stars; one submission).

Conditions:
Cardiomyopathy (CMYO). Also called: Cardiomyopathies. Identifiers: Orphanet 167848, MedGen C0878544, MONDO:0004994, HP:0001638. Inheritance: Various modes of inheritance.

Submission:

Color Diagnostics, LLC DBA Color Health
Classification: Uncertain significance for Cardiomyopathy. Last evaluated: 2025-08-30. Review status: criteria provided, single submitter. Criteria: ACMG Guidelines, 2015. Collection method: clinical testing. Allele origin: germline.
Comment: This missense variant replaces proline with leucine at codon 683 of the DSC2 protein. Computational prediction suggests that this variant may not impact protein structure and function. To our knowledge, functional studies have not been reported for this variant. This variant has not been reported in individuals affected with DSC2-related disorders in the literature. This variant has not been identified in the general population by the Genome Aggregation Database (gnomAD). The available evidence is insufficient to determine the role of this variant in disease conclusively. Therefore, this variant is classified as a Variant of Uncertain Significance.